The following is an entry in ClinVar:

ClinVar aggregate classification (germline): Uncertain significance. Review status: criteria provided, multiple submitters, no conflicts (2 of 4 stars). 4 submissions from 4 submitters: Uncertain significance (4). Last evaluated 2025-07-31.

Conditions:
Hereditary cancer-predisposing syndrome. Also called: Neoplastic Syndromes, Hereditary; Hereditary Cancer Syndrome; Hereditary neoplastic syndrome; Tumor predisposition. Identifiers: Orphanet 140162, MedGen C0027672, MeSH D009386, MONDO:0015356.
Ataxia-telangiectasia syndrome (AT). Also called: Ataxia-telangiectasia, complementation group D; AT, COMPLEMENTATION GROUP C; ATAXIA-TELANGIECTASIA, COMPLEMENTATION GROUP A; ATAXIA-TELANGIECTASIA, FRESNO VARIANT; Cerebello-oculocutaneous telangiectasia; Immunodeficiency with ataxia telangiectasia. Identifiers: Orphanet 100, MedGen C0004135, MONDO:0008840, OMIM 208900.

Allele frequency attached by ClinVar (database versions not stated): gnomAD exomes below 0.00001; TOPMed below 0.00001.
gnomAD v4.1: 1 of 1,613,830 alleles (0.000062%); highest among the groups gnomAD compares: Non-Finnish European, 0.000085%; no homozygotes.

Submissions (4):

Ambry Genetics
Classification: Uncertain significance for Hereditary cancer-predisposing syndrome. Last evaluated: 2025-07-31. Review status: criteria provided, single submitter. Criteria: Ambry Variant Classification Scheme 2023. Collection method: clinical testing. Allele origin: germline.
Comment: The p.D256G variant (also known as c.767A>G), located in coding exon 6 of the ATM gene, results from an A to G substitution at nucleotide position 767. The aspartic acid at codon 256 is replaced by glycine, an amino acid with similar properties. This amino acid position is not well conserved in available vertebrate species. In addition, the in silico prediction for this alteration is inconclusive. Since supporting evidence is limited at this time, the clinical significance of this alteration remains unclear.

Color Diagnostics, LLC DBA Color Health
Classification: Uncertain significance for Hereditary cancer-predisposing syndrome. Last evaluated: 2025-04-28. Review status: criteria provided, single submitter. Criteria: ACMG Guidelines, 2015. Collection method: clinical testing. Allele origin: germline.
Comment: This missense variant replaces aspartic acid with glycine at codon 256 of the ATM protein. Computational prediction suggests that this variant may not impact protein structure and function. To our knowledge, functional studies have not been reported for this variant. This variant has not been reported in individuals affected with ATM-related disorders in the literature. This variant has not been identified in the general population by the Genome Aggregation Database (gnomAD). The available evidence is insufficient to determine the role of this variant in disease conclusively. Therefore, this variant is classified as a Variant of Uncertain Significance.

Blueprint Genetics
Classification: Uncertain significance. Last evaluated: 2022-07-28. Review status: criteria provided, single submitter. Criteria: ACMG Guidelines, 2015. Collection method: clinical testing. Allele origin: germline.

Labcorp Genetics (formerly Invitae), Labcorp
Classification: Uncertain significance for Ataxia-telangiectasia syndrome. Last evaluated: 2020-03-10. Review status: criteria provided, single submitter. Criteria: Invitae Variant Classification Sherloc (09022015). Collection method: clinical testing. Allele origin: germline.
Comment: In summary, the available evidence is currently insufficient to determine the role of this variant in disease. Therefore, it has been classified as a Variant of Uncertain Significance. Algorithms developed to predict the effect of sequence changes on RNA splicing suggest that this variant may create or strengthen a splice site, but this prediction has not been confirmed by published transcriptional studies. Algorithms developed to predict the effect of missense changes on protein structure and function are either unavailable or do not agree on the potential impact of this missense change (SIFT: "Deleterious"; PolyPhen-2: "Benign"; Align-GVGD: "Class C15"). This variant has not been reported in the literature in individuals with ATM-related conditions. ClinVar contains an entry for this variant (Variation ID: 453698). This variant is not present in population databases (ExAC no frequency). This sequence change replaces aspartic acid with glycine at codon 256 of the ATM protein (p.Asp256Gly). The aspartic acid residue is weakly conserved and there is a moderate physicochemical difference between aspartic acid and glycine.

NM_000051.4(ATM):c.767A>G (p.Asp256Gly)

Gene: ATM (ATM serine/threonine kinase; plus strand). Cytogenetic location: 11q22.3.
Variant type: single nucleotide variant.
Coding change: c.767A>G on transcript NM_000051.4 (MANE Select); coding-DNA position 767, A replaced by G.
Protein change: p.Asp256Gly; replaces aspartic acid 256 with glycine.
Molecular consequence: missense variant.
Genome position (GRCh38, 1-based): chr11:108,244,892, A>G. VCF-style: chr11-108244892-A-G. GRCh37 (hg19) VCF-style: chr11-108115619-A-G.
Other names: c.767A>G, p.Asp256Gly (NM_001351834.2); short protein forms D256G.
Identifiers: ClinVar variation 453698 (VCV000453698.16), dbSNP rs907941927, ClinGen allele CA228384772.